The following is an entry in ClinVar:

ClinVar aggregate classification (germline): Uncertain significance. Review status: criteria provided, multiple submitters, no conflicts (2 of 4 stars). 3 submissions from 3 submitters: Uncertain significance (3). Last evaluated 2026-02-03.

Conditions:
Inborn genetic diseases. Identifiers: MedGen C0950123, MeSH D030342.
Baller-Gerold syndrome (BGS). Also called: CRANIOSYNOSTOSIS WITH RADIAL DEFECTS. Identifiers: Orphanet 1225, MedGen C0265308, MONDO:0009039, OMIM 218600.

Allele frequency attached by ClinVar (database versions not stated): gnomAD 0.00001; gnomAD exomes 0.00001; TOPMed 0.00001; ESP Exome Variant Server 0.00008.

Submissions (3):

Labcorp Genetics (formerly Invitae), Labcorp
Classification: Uncertain significance for Baller-Gerold syndrome. Last evaluated: 2026-02-03. Review status: criteria provided, single submitter. Criteria: Invitae Variant Classification Sherloc (09022015). Collection method: clinical testing. Allele origin: germline.
Comment: This sequence change replaces histidine, which is basic and polar, with tyrosine, which is neutral and polar, at codon 665 of the RECQL4 protein (p.His665Tyr). This variant is present in population databases (rs369674791, gnomAD 0.007%). This variant has not been reported in the literature in individuals affected with RECQL4-related conditions. ClinVar contains an entry for this variant (Variation ID: 847643). Invitae Evidence Modeling of protein sequence and biophysical properties (such as structural, functional, and spatial information, amino acid conservation, physicochemical variation, residue mobility, and thermodynamic stability) indicates that this missense variant is not expected to disrupt RECQL4 protein function with a negative predictive value of 80%. In summary, the available evidence is currently insufficient to determine the role of this variant in disease. Therefore, it has been classified as a Variant of Uncertain Significance.

Ambry Genetics
Classification: Uncertain significance for Inborn genetic diseases. Last evaluated: 2024-11-17. Review status: criteria provided, single submitter. Criteria: Ambry Variant Classification Scheme 2023. Collection method: clinical testing. Allele origin: germline.
Comment: The p.H665Y variant (also known as c.1993C>T), located in coding exon 12 of the RECQL4 gene, results from a C to T substitution at nucleotide position 1993. The histidine at codon 665 is replaced by tyrosine, an amino acid with similar properties. This amino acid position is conserved. In addition, this alteration is predicted to be tolerated by in silico analysis. Based on the available evidence, the clinical significance of this variant remains unclear.

GeneDx
Classification: Uncertain significance. Last evaluated: 2023-05-02. Review status: criteria provided, single submitter. Criteria: GeneDx Variant Classification Process June 2021. Collection method: clinical testing. Allele origin: germline. Affected: yes.
Comment: Not observed at significant frequency in large population cohorts (gnomAD); In silico analysis supports that this missense variant does not alter protein structure/function; Has not been previously published as pathogenic or benign to our knowledge

NM_004260.4(RECQL4):c.1993C>T (p.His665Tyr)

Gene: RECQL4 (RecQ like helicase 4; minus strand). Cytogenetic location: 8q24.3.
Variant type: single nucleotide variant.
Coding change: c.1993C>T on transcript NM_004260.4 (MANE Select); coding-DNA position 1993, C replaced by T.
Protein change: p.His665Tyr; replaces histidine 665 with tyrosine.
Molecular consequence: missense variant.
Genome position (GRCh38, 1-based): chr8:144,513,993, G>A on the plus strand (C>T on the coding strand, the complement: RECQL4 is on the minus strand). VCF-style: chr8-144513993-G-A. GRCh37 (hg19) VCF-style: chr8-145739377-G-A.
Other names: short protein forms H665Y.
Identifiers: ClinVar variation 847643 (VCV000847643.9), dbSNP rs369674791, ClinGen allele CA187684462.